The following is an entry in ClinVar:

ClinVar aggregate classification (germline): Uncertain significance (1 of 4 stars; one submission).

Allele frequency attached by ClinVar (database versions not stated): TOPMed below 0.00001.
gnomAD v4.1: 1 of 1,613,838 alleles (0.000062%); no homozygotes.

Submission:

Labcorp Genetics (formerly Invitae), Labcorp
Classification: Uncertain significance. Last evaluated: 2022-05-21. Review status: criteria provided, single submitter. Criteria: Invitae Variant Classification Sherloc (09022015). Collection method: clinical testing. Allele origin: germline.
Comment: In summary, the available evidence is currently insufficient to determine the role of this variant in disease. Therefore, it has been classified as a Variant of Uncertain Significance. Algorithms developed to predict the effect of missense changes on protein structure and function are either unavailable or do not agree on the potential impact of this missense change (SIFT: "Deleterious"; PolyPhen-2: "Probably Damaging"; Align-GVGD: "Class C15"). This variant has not been reported in the literature in individuals affected with HMCN1-related conditions. This variant is not present in population databases (gnomAD no frequency). This sequence change replaces asparagine, which is neutral and polar, with aspartic acid, which is acidic and polar, at codon 5267 of the HMCN1 protein (p.Asn5267Asp).

NM_031935.3(HMCN1):c.15799A>G (p.Asn5267Asp)

Gene: HMCN1 (hemicentin 1; plus strand). Cytogenetic location: 1q31.1.
Variant type: single nucleotide variant.
Coding change: c.15799A>G on transcript NM_031935.3 (MANE Select); coding-DNA position 15799, A replaced by G.
Protein change: p.Asn5267Asp; replaces asparagine 5267 with aspartic acid.
Molecular consequence: missense variant.
Genome position (GRCh38, 1-based): chr1:186,172,116, A>G. VCF-style: chr1-186172116-A-G. GRCh37 (hg19) VCF-style: chr1-186141248-A-G.
Other names: short protein forms N5267D.
Identifiers: ClinVar variation 1984426 (VCV001984426.4), dbSNP rs1652272085, ClinGen allele CA343934404.